The following is an entry in ClinVar:

NM_001018115.3(FANCD2):c.2158dup (p.Ser720fs)

Genes: FANCD2 (FA complementation group D2; plus strand), LOC107303338 (3p25 FANCD2 Alu-mediated recombination region; plus strand). Cytogenetic location: 3p25.3.
Variant type: Duplication.
Coding change: c.2158dup on transcript NM_001018115.3 (MANE Select); coding-DNA position 2158, one base duplicated (T; older notation c.2158dupT).
Protein change: p.Ser720fs; shifts the reading frame from serine 720.
Molecular consequence: frameshift variant.
Genome position (GRCh38, 1-based): chr3:10,064,865, T duplicated. VCF-style (leftmost placement, unchanged base first): chr3-10064864-A-AT. GRCh37 (hg19) VCF-style: chr3-10106548-A-AT.
Other names: c.2158dup, p.Ser720fs (NM_001319984.2, NM_001374254.1, NM_033084.6); c.2047dup, p.Ser683fs (NM_001374253.1); short protein forms S683fs, S720fs.
Identifiers: ClinVar variation 2909468 (VCV002909468.3), dbSNP rs2469968826, ClinGen allele CA2664391468.

ClinVar aggregate classification (germline): Pathogenic (1 of 4 stars; one submission).

Conditions:
Fanconi anemia (FA). Also called: Fanconi's anemia. Identifiers: Orphanet 84, MedGen C0015625, MeSH D005199, MONDO:0019391.

Allele frequency attached by ClinVar (database versions not stated): gnomAD exomes below 0.00001.

Submission:

Labcorp Genetics (formerly Invitae), Labcorp
Classification: Pathogenic for Fanconi anemia. Last evaluated: 2023-06-20. Review status: criteria provided, single submitter. Criteria: Invitae Variant Classification Sherloc (09022015). Collection method: clinical testing. Allele origin: germline.
Comment: This sequence change creates a premature translational stop signal (p.Ser720Phefs*27) in the FANCD2 gene. It is expected to result in an absent or disrupted protein product. Loss-of-function variants in FANCD2 are known to be pathogenic (PMID: 17436244). This variant is not present in population databases (gnomAD no frequency). This variant has not been reported in the literature in individuals affected with FANCD2-related conditions. For these reasons, this variant has been classified as Pathogenic.

Literature cited by the submitters: PubMed 17436244.